The following is an entry in ClinVar:

ClinVar aggregate classification (germline): Uncertain significance. Review status: criteria provided, multiple submitters, no conflicts (2 of 4 stars). 2 submissions from 2 submitters: Uncertain significance (2). Last evaluated 2025-04-08.

Conditions:
Autosomal recessive hypophosphatemic bone disease (HHRH). Also called: HYPERCALCIURIC RICKETS; Hypophosphatemic rickets with hypercalciuria. Identifiers: Orphanet 157215, MedGen C1853271, MONDO:0009431, OMIM 241530.

Allele frequency attached by ClinVar (database versions not stated): ExAC 0.00001; gnomAD 0.00002; ESP Exome Variant Server 0.00008; 1000 Genomes Project 30x 0.00016; 1000 Genomes Project 0.00020.
gnomAD v4.1: 38 of 1,604,770 alleles (0.0024%); highest among the groups gnomAD compares: African/African-American, 0.0053%; no homozygotes.

Submissions (2):

Labcorp Genetics (formerly Invitae), Labcorp
Classification: Uncertain significance. Last evaluated: 2025-04-08. Review status: criteria provided, single submitter. Criteria: Invitae Variant Classification Sherloc (09022015). Collection method: clinical testing. Allele origin: germline.
Comment: This sequence change replaces alanine, which is neutral and non-polar, with valine, which is neutral and non-polar, at codon 397 of the SLC34A3 protein (p.Ala397Val). The frequency data for this variant in the population databases is considered unreliable, as metrics indicate poor data quality at this position in the gnomAD database. This variant has not been reported in the literature in individuals affected with SLC34A3-related conditions. ClinVar contains an entry for this variant (Variation ID: 3002506). Invitae Evidence Modeling of protein sequence and biophysical properties (such as structural, functional, and spatial information, amino acid conservation, physicochemical variation, residue mobility, and thermodynamic stability) indicates that this missense variant is not expected to disrupt SLC34A3 protein function with a negative predictive value of 80%. In summary, the available evidence is currently insufficient to determine the role of this variant in disease. Therefore, it has been classified as a Variant of Uncertain Significance.

Fulgent Genetics
Classification: Uncertain significance for Autosomal recessive hypophosphatemic bone disease. Last evaluated: 2024-02-03. Review status: criteria provided, single submitter. Criteria: ACMG Guidelines, 2015. Collection method: clinical testing. Allele origin: germline.

NM_001177316.2(SLC34A3):c.1190C>T (p.Ala397Val)

Gene: SLC34A3 (solute carrier family 34 member 3; plus strand). Cytogenetic location: 9q34.3.
Variant type: single nucleotide variant.
Coding change: c.1190C>T on transcript NM_001177316.2 (MANE Select); coding-DNA position 1190, C replaced by T.
Protein change: p.Ala397Val; replaces alanine 397 with valine.
Molecular consequence: missense variant.
Genome position (GRCh38, 1-based): chr9:137,234,512, C>T. VCF-style: chr9-137234512-C-T. GRCh37 (hg19) VCF-style: chr9-140128964-C-T.
Other names: c.1190C>T, p.Ala397Val (NM_001177317.2, NM_080877.3); c.1190C>T (NM_080877.2); short protein forms A397V.
Identifiers: ClinVar variation 3002506 (VCV003002506.4), dbSNP rs150835225, ClinGen allele CA5364829.